The following is an entry in ClinVar:

NM_001170700.3(DTHD1):c.2410G>A (p.Asp804Asn)

Gene: DTHD1 (death domain containing 1; plus strand). Cytogenetic location: 4p14.
Variant type: single nucleotide variant.
Coding change: c.2410G>A on transcript NM_001170700.3 (MANE Select); coding-DNA position 2410, G replaced by A.
Protein change: p.Asp804Asn; replaces aspartic acid 804 with asparagine.
Molecular consequence: missense variant. On other transcripts: synonymous variant (1), non-coding transcript variant (2).
Genome position (GRCh38, 1-based): chr4:36,343,513, G>A. VCF-style: chr4-36343513-G-A. GRCh37 (hg19) VCF-style: chr4-36345135-G-A.
Other names: c.1540G>A, p.Asp514Asn (NM_001136536.5); c.1419G>A, p.Gly473= (NM_001378435.1); short protein forms D514N, D804N.
Identifiers: ClinVar variation 1714635 (VCV001714635.6), dbSNP rs2529890480, ClinGen allele CA356682033.

ClinVar aggregate classification (germline): Uncertain significance (1 of 4 stars; one submission).

Submission:

Labcorp Genetics (formerly Invitae), Labcorp
Classification: Uncertain significance. Last evaluated: 2022-07-31. Review status: criteria provided, single submitter. Criteria: Invitae Variant Classification Sherloc (09022015). Collection method: clinical testing. Allele origin: germline.
Comment: In summary, the available evidence is currently insufficient to determine the role of this variant in disease. Therefore, it has been classified as a Variant of Uncertain Significance. Algorithms developed to predict the effect of missense changes on protein structure and function are either unavailable or do not agree on the potential impact of this missense change (SIFT: "Deleterious"; PolyPhen-2: "Benign"; Align-GVGD: "Class C0"). This variant has not been reported in the literature in individuals affected with DTHD1-related conditions. This variant is not present in population databases (gnomAD no frequency). This sequence change replaces aspartic acid, which is acidic and polar, with asparagine, which is neutral and polar, at codon 514 of the DTHD1 protein (p.Asp514Asn).